The following is an entry in ClinVar:

ClinVar aggregate classification (germline): Uncertain significance (1 of 4 stars; one submission).

Conditions:
Progressive myoclonic epilepsy type 9. Identifiers: Orphanet 457265, MedGen C4225289, MONDO:0014685, OMIM 616540.
Lipodystrophy, partial, acquired, susceptibility to (APLD). Also called: APLD, SUSCEPTIBILITY TO. Identifiers: MedGen C3887501, MONDO:0100476, OMIM 608709.

Allele frequency attached by ClinVar (database versions not stated): gnomAD exomes below 0.00001; TOPMed 0.00001.
gnomAD v4.1: 2 of 1,613,148 alleles (0.00012%); highest among the groups gnomAD compares: Non-Finnish European, 0.000085%; no homozygotes.

Submission:

Labcorp Genetics (formerly Invitae), Labcorp
Classification: Uncertain significance for Progressive myoclonic epilepsy type 9; Lipodystrophy, partial, acquired, susceptibility to. Last evaluated: 2022-03-06. Review status: criteria provided, single submitter. Criteria: Invitae Variant Classification Sherloc (09022015). Collection method: clinical testing. Allele origin: germline.
Comment: In summary, the available evidence is currently insufficient to determine the role of this variant in disease. Therefore, it has been classified as a Variant of Uncertain Significance. Algorithms developed to predict the effect of missense changes on protein structure and function (SIFT, PolyPhen-2, Align-GVGD) all suggest that this variant is likely to be disruptive. This sequence change replaces arginine, which is basic and polar, with glutamine, which is neutral and polar, at codon 104 of the LMNB2 protein (p.Arg104Gln). This variant is not present in population databases (gnomAD no frequency). This variant has not been reported in the literature in individuals affected with LMNB2-related conditions. ClinVar contains an entry for this variant (Variation ID: 1046982).

NM_032737.4(LMNB2):c.311G>A (p.Arg104Gln)

Gene: LMNB2 (lamin B2; minus strand). Cytogenetic location: 19p13.3.
Variant type: single nucleotide variant.
Coding change: c.311G>A on transcript NM_032737.4 (MANE Select); coding-DNA position 311, G replaced by A.
Protein change: p.Arg104Gln; replaces arginine 104 with glutamine.
Molecular consequence: missense variant.
Genome position (GRCh38, 1-based): chr19:2,444,494, C>T on the plus strand (G>A on the coding strand, the complement: LMNB2 is on the minus strand). VCF-style: chr19-2444494-C-T. GRCh37 (hg19) VCF-style: chr19-2444492-C-T.
Other names: short protein forms R104Q.
Identifiers: ClinVar variation 1046982 (VCV001046982.10), dbSNP rs1004998035, ClinGen allele CA304237607.